The following is an entry in ClinVar:

NM_014629.4(ARHGEF10):c.172A>C (p.Ser58Arg)

Gene: ARHGEF10 (Rho guanine nucleotide exchange factor 10; plus strand). Cytogenetic location: 8p23.3.
Variant type: single nucleotide variant.
Coding change: c.172A>C on transcript NM_014629.4 (MANE Select); coding-DNA position 172, A replaced by C.
Protein change: p.Ser58Arg; replaces serine 58 with arginine.
Molecular consequence: missense variant.
Genome position (GRCh38, 1-based): chr8:1,858,094, A>C. VCF-style: chr8-1858094-A-C. GRCh37 (hg19) VCF-style: chr8-1806260-A-C.
Other names: c.172A>C, p.Ser58Arg (NM_001308152.2, NM_001308153.3); short protein forms S82R, S58R.
Identifiers: ClinVar variation 2002997 (VCV002002997.4), dbSNP rs2536836575, ClinGen allele CA369955029.

ClinVar aggregate classification (germline): Uncertain significance (1 of 4 stars; one submission).

Submission:

Labcorp Genetics (formerly Invitae), Labcorp
Classification: Uncertain significance. Last evaluated: 2022-06-14. Review status: criteria provided, single submitter. Criteria: Invitae Variant Classification Sherloc (09022015). Collection method: clinical testing. Allele origin: germline.
Comment: This variant has not been reported in the literature in individuals affected with ARHGEF10-related conditions. In summary, the available evidence is currently insufficient to determine the role of this variant in disease. Therefore, it has been classified as a Variant of Uncertain Significance. Algorithms developed to predict the effect of missense changes on protein structure and function (SIFT, PolyPhen-2, Align-GVGD) all suggest that this variant is likely to be tolerated. This variant is not present in population databases (gnomAD no frequency). This sequence change replaces serine, which is neutral and polar, with arginine, which is basic and polar, at codon 58 of the ARHGEF10 protein (p.Ser58Arg).